The following is an entry in ClinVar:

ClinVar aggregate classification (germline): Benign/Likely benign. Review status: criteria provided, multiple submitters, no conflicts (2 of 4 stars). 3 submissions from 3 submitters: Benign (1); Likely benign (1). 1 of the submissions does not count toward it. Last evaluated 2024-12-12.

Conditions:
CREBBP-related disorder. Also called: CREBBP-related disorders; CREBBP-related condition.
Rubinstein-Taybi syndrome (RSTS). Identifiers: Orphanet 783, MedGen C0035934, MONDO:0019188.

Allele frequency attached by ClinVar (database versions not stated): gnomAD 0.00002; gnomAD exomes 0.00003; ExAC 0.00005; 1000 Genomes Project 0.00040; 1000 Genomes Project 30x 0.00047.
gnomAD v4.1: 41 of 1,614,186 alleles (0.0025%); highest among the groups gnomAD compares: South Asian, 0.043%; no homozygotes.

Submissions (3):

Labcorp Genetics (formerly Invitae), Labcorp
Classification: Benign for Rubinstein-Taybi syndrome. Last evaluated: 2024-12-12. Review status: criteria provided, single submitter. Criteria: Invitae Variant Classification Sherloc (09022015). Collection method: clinical testing. Allele origin: germline.

Blueprint Genetics
Classification: Likely benign. Last evaluated: 2024-10-30. Review status: criteria provided, single submitter. Criteria: ACMG Guidelines, 2015. Collection method: clinical testing. Allele origin: germline.

PreventionGenetics, part of Exact Sciences
Classification: Likely benign for CREBBP-related condition. Last evaluated: 2022-03-09. Review status: no assertion criteria provided. Collection method: clinical testing. Allele origin: germline. Not counted in ClinVar's aggregate classification.
Comment: This variant is classified as likely benign based on ACMG/AMP sequence variant interpretation guidelines (Richards et al. 2015 PMID: 25741868, with internal and published modifications).

NM_004380.3(CREBBP):c.3594T>C (p.Tyr1198=)

Gene: CREBBP (CREB binding lysine acetyltransferase; minus strand). Cytogenetic location: 16p13.3.
Variant type: single nucleotide variant.
Coding change: c.3594T>C on transcript NM_004380.3 (MANE Select); coding-DNA position 3594, T replaced by C.
Protein change: p.Tyr1198=; no amino-acid change (tyrosine 1198 retained).
Molecular consequence: synonymous variant.
Genome position (GRCh38, 1-based): chr16:3,757,824, A>G on the plus strand (T>C on the coding strand, the complement: CREBBP is on the minus strand). VCF-style: chr16-3757824-A-G. GRCh37 (hg19) VCF-style: chr16-3807825-A-G.
Other names: c.3480T>C, p.Tyr1160= (NM_001079846.1).
Identifiers: ClinVar variation 3049464 (VCV003049464.5), dbSNP rs571812251, ClinGen allele CA7869795.